The following is an entry in ClinVar:

NM_000553.6(WRN):c.407C>G (p.Ala136Gly)

Gene: WRN (WRN RecQ like helicase; plus strand). Cytogenetic location: 8p12.
Variant type: single nucleotide variant.
Coding change: c.407C>G on transcript NM_000553.6 (MANE Select); coding-DNA position 407, C replaced by G.
Protein change: p.Ala136Gly; replaces alanine 136 with glycine.
Molecular consequence: missense variant.
Genome position (GRCh38, 1-based): chr8:31,064,966, C>G. VCF-style: chr8-31064966-C-G. GRCh37 (hg19) VCF-style: chr8-30922482-C-G.
Other names: short protein forms A136G.
Identifiers: ClinVar variation 2117360 (VCV002117360.3), dbSNP rs1342850355, ClinGen allele CA370914729.

ClinVar aggregate classification (germline): Uncertain significance. Review status: criteria provided, multiple submitters, no conflicts (2 of 4 stars). 2 submissions from 2 submitters: Uncertain significance (2). Last evaluated 2023-02-10.

Conditions:
Werner syndrome (WRN). Identifiers: Orphanet 902, MedGen C0043119, MONDO:0010196, OMIM 277700.

Allele frequency attached by ClinVar (database versions not stated): gnomAD exomes below 0.00001.

Submissions (2):

Revvity Omics, Revvity
Classification: Uncertain significance for Werner syndrome. Last evaluated: 2023-02-10. Review status: criteria provided, single submitter. Criteria: ACMG Guidelines, 2015. Collection method: clinical testing. Allele origin: germline.

Labcorp Genetics (formerly Invitae), Labcorp
Classification: Uncertain significance for Werner syndrome. Last evaluated: 2022-07-01. Review status: criteria provided, single submitter. Criteria: Invitae Variant Classification Sherloc (09022015). Collection method: clinical testing. Allele origin: germline.
Comment: This sequence change replaces alanine, which is neutral and non-polar, with glycine, which is neutral and non-polar, at codon 136 of the WRN protein (p.Ala136Gly). This variant is not present in population databases (gnomAD no frequency). This variant has not been reported in the literature in individuals affected with WRN-related conditions. Algorithms developed to predict the effect of missense changes on protein structure and function are either unavailable or do not agree on the potential impact of this missense change (SIFT: "Not Available"; PolyPhen-2: "Possibly Damaging"; Align-GVGD: "Not Available"). In summary, the available evidence is currently insufficient to determine the role of this variant in disease. Therefore, it has been classified as a Variant of Uncertain Significance.